The following is an entry in ClinVar:

NM_001267550.2(TTN):c.25809G>A (p.Ser8603=)

Gene: TTN (titin; minus strand). Cytogenetic location: 2q31.2.
Variant type: single nucleotide variant.
Coding change: c.25809G>A on transcript NM_001267550.2 (MANE Select); coding-DNA position 25809, G replaced by A.
Protein change: p.Ser8603=; no amino-acid change (serine 8603 retained).
Molecular consequence: synonymous variant. On other transcripts: intron variant (3).
Genome position (GRCh38, 1-based): chr2:178,715,605, C>T on the plus strand (G>A on the coding strand, the complement: TTN is on the minus strand). VCF-style: chr2-178715605-C-T. GRCh37 (hg19) VCF-style: chr2-179580332-C-T.
Other names: c.24858G>A, p.Ser8286= (NM_001256850.1); c.22077G>A, p.Ser7359= (NM_133378.4); c.13282+22477G>A (NM_003319.4); c.13858+22477G>A (NM_133437.4); c.13657+22477G>A (NM_133432.3).
Identifiers: ClinVar variation 378808 (VCV000378808.42), dbSNP rs369099681, ClinGen allele CA2000139.

ClinVar aggregate classification (germline): Conflicting classifications of pathogenicity. Review status: criteria provided, conflicting classifications (1 of 4 stars). 12 submissions from 9 submitters: Uncertain significance (1); Benign (5); Likely benign (6). Last evaluated 2026-08-17.

Conditions:
TTN-related disorder. Also called: TTN-related condition; TTN-related disease; TTN-related disorders.
Myopathy, myofibrillar, 9, with early respiratory failure (MFM9). Also called: Hereditary myopathy with early respiratory failure; MYOPATHY, PROXIMAL, WITH EARLY RESPIRATORY MUSCLE INVOLVEMENT; Myopathy, distal, with early respiratory failure, autosomal dominant; EDSTROM MYOPATHY. Identifiers: Orphanet 178464, Orphanet 34521, MedGen C1863599, MONDO:0011362, OMIM 603689.
Autosomal recessive limb-girdle muscular dystrophy type 2J (LGMDR10). Also called: MUSCULAR DYSTROPHY, LIMB-GIRDLE, AUTOSOMAL RECESSIVE 10; Limb-girdle muscular dystrophy, type 2J. Identifiers: Orphanet 140922, MedGen C1837342, MONDO:0012127, OMIM 608807.
Tibial muscular dystrophy (TMD). Also called: UDD MYOPATHY; Udd Distal Myopathy – Tibial Muscular Dystrophy; Tibial muscular dystrophy, tardive. Identifiers: Orphanet 609, MedGen C1838244, MONDO:0010870, OMIM 600334.
Dilated cardiomyopathy 1G (CMD1G). Identifiers: Orphanet 154, MedGen C1858763, MONDO:0011400, OMIM 604145.
Early-onset myopathy with fatal cardiomyopathy (CMYO5). Also called: CONGENITAL MYOPATHY 5 WITH CARDIOMYOPATHY; Salih Myopathy. Identifiers: Orphanet 289377, MedGen C2673677, MONDO:0012714, OMIM 611705. Disease mechanism: loss of function.

Allele frequency attached by ClinVar (database versions not stated): gnomAD exomes 0.00007; ESP Exome Variant Server 0.00008; ExAC 0.00009; 1000 Genomes Project 30x 0.00016; 1000 Genomes Project 0.00020; TOPMed 0.00020; gnomAD 0.00024 and 0.00026.
gnomAD v4.1: 119 of 1,613,596 alleles (0.0074%); highest among the groups gnomAD compares: African/African-American, 0.071%; no homozygotes.

Submissions (12):

PreventionGenetics, part of Exact Sciences
Classification: Uncertain significance for TTN-related condition. Last evaluated: 2026-08-17. Review status: criteria provided, single submitter. Criteria: ACMG Guidelines, 2015. Collection method: clinical testing. Allele origin: germline.
Comment: The TTN c.25809G>A variant is not predicted to result in an amino acid change (p.=). This variant is predicted to alter splicing based on available splicing prediction programs (SpliceAI, Jaganathan et al. 2019. PubMed ID: 30661751). However, the use of computer prediction programs is not equivalent to functional evidence. To our knowledge, this variant has not been reported in the literature. This variant is reported in 0.045% of alleles in individuals of African descent in gnomAD. At this time, the clinical significance of this variant is uncertain due to the absence of conclusive functional and genetic evidence.

Molecular Diagnostic Laboratory for Inherited Cardiovascular Disease, Montreal Heart Institute
Classification: Likely benign. Last evaluated: 2026-03-27. Review status: criteria provided, single submitter. Criteria: ACMG Guidelines, 2015. Collection method: clinical testing. Allele origin: germline. Affected: no.
Comment: BS1;BP7

Labcorp Genetics (formerly Invitae), Labcorp
Classification: Likely benign for Dilated cardiomyopathy 1G; Autosomal recessive limb-girdle muscular dystrophy type 2J. Last evaluated: 2026-02-01. Review status: criteria provided, single submitter. Criteria: Invitae Variant Classification Sherloc (09022015). Collection method: clinical testing. Allele origin: germline.

ARUP Laboratories, Molecular Genetics and Genomics, ARUP Laboratories
Classification: Likely benign. Last evaluated: 2023-10-10. Review status: criteria provided, single submitter. Criteria: ARUP Molecular Germline Variant Investigation Process 2024. Collection method: clinical testing. Allele origin: germline.

Blueprint Genetics
Classification: Likely benign. Last evaluated: 2023-09-14. Review status: criteria provided, single submitter. Criteria: ACMG Guidelines, 2015. Collection method: clinical testing. Allele origin: germline.

CeGaT Center for Human Genetics Tuebingen
Classification: Likely benign. Last evaluated: 2023-02-01. Review status: criteria provided, single submitter. Criteria: CeGaT Center For Human Genetics Tuebingen Variant Classification Criteria Version 2. Collection method: clinical testing. Allele origin: germline. Affected: yes. Observed: 1 variant allele.
Comment: TTN: BP4, BP7

Women's Health and Genetics/Laboratory Corporation of America, LabCorp
Classification: Likely benign. Last evaluated: 2021-12-14. Review status: criteria provided, single submitter. Criteria: LabCorp Variant Classification Summary - May 2015. Collection method: clinical testing. Allele origin: germline.

Genome-Nilou Lab
Classification: Benign for Autosomal recessive limb-girdle muscular dystrophy type 2J. Last evaluated: 2021-09-10. Review status: criteria provided, single submitter. Criteria: ACMG Guidelines, 2015. Collection method: clinical testing. Allele origin: germline. Affected: no.

Genome-Nilou Lab
Classification: Benign for Myopathy, myofibrillar, 9, with early respiratory failure. Last evaluated: 2021-09-10. Review status: criteria provided, single submitter. Criteria: ACMG Guidelines, 2015. Collection method: clinical testing. Allele origin: germline. Affected: no.

Genome-Nilou Lab
Classification: Benign for Early-onset myopathy with fatal cardiomyopathy. Last evaluated: 2021-09-10. Review status: criteria provided, single submitter. Criteria: ACMG Guidelines, 2015. Collection method: clinical testing. Allele origin: germline. Affected: no.

Genome-Nilou Lab
Classification: Benign for Tibial muscular dystrophy. Last evaluated: 2021-09-10. Review status: criteria provided, single submitter. Criteria: ACMG Guidelines, 2015. Collection method: clinical testing. Allele origin: germline. Affected: no.

GeneDx
Classification: Benign. Last evaluated: 2015-09-10. Review status: criteria provided, single submitter. Criteria: GeneDx Variant Classification (06012015). Collection method: clinical testing. Allele origin: germline. Affected: yes.
Comment: This variant is considered likely benign or benign based on one or more of the following criteria: it is a conservative change, it occurs at a poorly conserved position in the protein, it is predicted to be benign by multiple in silico algorithms, and/or has population frequency not consistent with disease.